The following is an entry in ClinVar:

ClinVar aggregate classification (germline): Pathogenic (1 of 4 stars; one submission).

Conditions:
Retinal disorder. Also called: Retinopathy; Retinopathies; Retinal Diseases; Retinal disorders. Identifiers: MedGen C0035309, MONDO:0005283, HP:0000488.

Submission:

Genetics Laboratory, Great Ormond Street Hospital NHS Foundation Trust, North Thames Genomic Laboratory Hub
Classification: Pathogenic for Retinal disorders. Last evaluated: 2026-06-19. Review status: criteria provided, single submitter. Criteria: ACGS Best Practice Guidelines for Variant Classification in Rare Disease 2024 v1.2. Collection method: clinical testing. Allele origin: germline. Affected: yes.
Comment: PM2_moderate, PVS1_very-strong

NM_024649.5(BBS1):c.585_591+6del

Gene: BBS1 (Bardet-Biedl syndrome 1; plus strand). Cytogenetic location: 11q13.2.
Variant type: Deletion.
Coding change: c.585_591+6del on transcript NM_024649.5 (MANE Select); coding-DNA position 585 through 6 bases into the intron after coding-DNA position 591, 13 bases deleted (GCGGCAGGTAATA).
Molecular consequence: splice donor variant.
Genome position (GRCh38, 1-based): chr11:66,515,927-66,515,939, GCGGCAGGTAATA deleted; deleting any 13 consecutive bases within chr11:66,515,926-66,515,939 gives the same sequence; the c. name uses the placement nearest the transcript's 3' end. VCF-style (leftmost placement, unchanged base first): chr11-66515925-AAGCGGCAGGTAAT-A. GRCh37 (hg19) VCF-style: chr11-66283396-AAGCGGCAGGTAAT-A.
Identifiers: ClinVar variation 4884753 (VCV004884753.1).